The following is an entry in ClinVar:

NM_004415.4(DSP):c.439G>C (p.Glu147Gln)

Gene: DSP (desmoplakin; plus strand). Cytogenetic location: 6p24.3.
Variant type: single nucleotide variant.
Coding change: c.439G>C on transcript NM_004415.4 (MANE Select); coding-DNA position 439, G replaced by C.
Protein change: p.Glu147Gln; replaces glutamic acid 147 with glutamine.
Molecular consequence: missense variant.
Genome position (GRCh38, 1-based): chr6:7,559,242, G>C. VCF-style: chr6-7559242-G-C. GRCh37 (hg19) VCF-style: chr6-7559475-G-C.
Other names: c.439G>C, p.Glu147Gln (NM_001008844.3, NM_001319034.2, NM_001406591.1); short protein forms E147Q.
Identifiers: ClinVar variation 2950221 (VCV002950221.4), dbSNP rs2533853201, ClinGen allele CA362672036.

ClinVar aggregate classification (germline): Uncertain significance. Review status: criteria provided, multiple submitters, no conflicts (2 of 4 stars). 2 submissions from 2 submitters: Uncertain significance (2). Last evaluated 2025-03-09.

Conditions:
Arrhythmogenic cardiomyopathy with wooly hair and keratoderma. Also called: PALMOPLANTAR KERATODERMA WITH LEFT VENTRICULAR CARDIOMYOPATHY AND WOOLLY HAIR; Carvajal syndrome; Dilated cardiomyopathy with woolly hair and keratoderma; Arrhythmogenic cardiomyopathy with woolly hair and keratoderma. Identifiers: Orphanet 65282, MedGen C1854063, MONDO:0011581, OMIM 605676.
Arrhythmogenic right ventricular dysplasia 8 (ARVD8). Also called: Arrhythmogenic Right Ventricular Dysplasia/Cardiomyopathy 8; ARRHYTHMOGENIC RIGHT VENTRICULAR DYSPLASIA, FAMILIAL, 8; ARRHYTHMOGENIC RIGHT VENTRICULAR CARDIOMYOPATHY 8. Identifiers: MedGen C1843896, MONDO:0011831, OMIM 607450.
Cardiovascular phenotype. Identifiers: MedGen CN230736.

Submissions (2):

Ambry Genetics
Classification: Uncertain significance for Cardiovascular phenotype. Last evaluated: 2025-03-09. Review status: criteria provided, single submitter. Criteria: Ambry Variant Classification Scheme 2023. Collection method: clinical testing. Allele origin: germline.
Comment: The p.E147Q variant (also known as c.439G>C), located in coding exon 4 of the DSP gene, results from a G to C substitution at nucleotide position 439. The glutamic acid at codon 147 is replaced by glutamine, an amino acid with highly similar properties. This amino acid position is conserved. In addition, the in silico prediction for this alteration is inconclusive. Based on the available evidence, the clinical significance of this variant remains unclear.

Labcorp Genetics (formerly Invitae), Labcorp
Classification: Uncertain significance for Arrhythmogenic cardiomyopathy with wooly hair and keratoderma; Arrhythmogenic right ventricular dysplasia 8. Last evaluated: 2023-07-24. Review status: criteria provided, single submitter. Criteria: Invitae Variant Classification Sherloc (09022015). Collection method: clinical testing. Allele origin: germline.
Comment: This sequence change replaces glutamic acid, which is acidic and polar, with glutamine, which is neutral and polar, at codon 147 of the DSP protein (p.Glu147Gln). This variant is not present in population databases (gnomAD no frequency). This variant has not been reported in the literature in individuals affected with DSP-related conditions. An algorithm developed to predict the effect of missense changes on protein structure and function (PolyPhen-2) suggests that this variant is likely to be disruptive. In summary, the available evidence is currently insufficient to determine the role of this variant in disease. Therefore, it has been classified as a Variant of Uncertain Significance.